The following is an entry in ClinVar:

NM_001367624.2(ZNF469):c.10708G>A (p.Ala3570Thr)

Gene: ZNF469 (zinc finger protein 469; plus strand). Cytogenetic location: 16q24.2.
Variant type: single nucleotide variant.
Coding change: c.10708G>A on transcript NM_001367624.2 (MANE Select); coding-DNA position 10708, G replaced by A.
Protein change: p.Ala3570Thr; replaces alanine 3570 with threonine.
Molecular consequence: missense variant.
Genome position (GRCh38, 1-based): chr16:88,438,178, G>A. VCF-style: chr16-88438178-G-A. GRCh37 (hg19) VCF-style: chr16-88504586-G-A.
Other names: NM_001127464.1:c.10624G>A; p.Ala3570Thr; short protein forms A3570T.
Identifiers: ClinVar variation 321018 (VCV000321018.18), dbSNP rs57052487, ClinGen allele CA8225543.

ClinVar aggregate classification (germline): Benign/Likely benign. Review status: criteria provided, multiple submitters, no conflicts (2 of 4 stars). 7 submissions from 7 submitters: Benign (5); Likely benign (2). Last evaluated 2026-02-02.

Conditions:
Brittle cornea syndrome 1 (BCS1). Also called: CORNEAL FRAGILITY, KERATOGLOBUS, BLUE SCLERAE, JOINT HYPEREXTENSIBILITY; EDS6B; FRAGILITAS OCULI WITH JOINT HYPEREXTENSIBILITY; DYSGENESIS MESODERMALIS CORNEAE ET SCLERAE; Corneal fragility keratoglobus, blue sclerae AND joint hypermobility. Identifiers: Orphanet 90354, MedGen C0268344, MONDO:0024543, OMIM 229200.
Cardiovascular phenotype. Identifiers: MedGen CN230736.

Allele frequency attached by ClinVar (database versions not stated): gnomAD exomes 0.00119 and 0.00286; ExAC 0.00519; 1000 Genomes Project 0.01118; 1000 Genomes Project 30x 0.01124; ESP Exome Variant Server 0.01206; gnomAD 0.01277 and 0.01385; TOPMed 0.01430.
gnomAD v4.1: 3,673 of 1,549,398 alleles (0.24%); highest among the groups gnomAD compares: African/African-American, 4.5%; 71 homozygotes.

Submissions (7):

Labcorp Genetics (formerly Invitae), Labcorp
Classification: Benign. Last evaluated: 2026-02-02. Review status: criteria provided, single submitter. Criteria: Invitae Variant Classification Sherloc (09022015). Collection method: clinical testing. Allele origin: germline.

Women's Health and Genetics/Laboratory Corporation of America, LabCorp
Classification: Likely benign. Last evaluated: 2026-01-22. Review status: criteria provided, single submitter. Criteria: LabCorp Variant Classification Summary - May 2015. Collection method: clinical testing. Allele origin: germline.

Mayo Clinic Laboratories, Mayo Clinic
Classification: Benign. Last evaluated: 2023-08-24. Review status: criteria provided, single submitter. Criteria: ACMG Guidelines, 2015. Collection method: clinical testing. Allele origin: germline. Observed: 13 variant alleles.
Comment: BA1, BP4

Genome-Nilou Lab
Classification: Benign for Brittle cornea syndrome 1. Last evaluated: 2021-12-05. Review status: criteria provided, single submitter. Criteria: ACMG Guidelines, 2015. Collection method: clinical testing. Allele origin: germline. Affected: no.

Ambry Genetics
Classification: Benign for Cardiovascular phenotype. Last evaluated: 2019-04-19. Review status: criteria provided, single submitter. Criteria: Ambry Variant Classification Scheme 2023. Collection method: clinical testing. Allele origin: germline.

GeneDx
Classification: Benign. Last evaluated: 2016-12-30. Review status: criteria provided, single submitter. Criteria: GeneDx Variant Classification (06012015). Collection method: clinical testing. Allele origin: germline. Affected: yes.
Comment: This variant is considered likely benign or benign based on one or more of the following criteria: it is a conservative change, it occurs at a poorly conserved position in the protein, it is predicted to be benign by multiple in silico algorithms, and/or has population frequency not consistent with disease.

Breakthrough Genomics
Classification: Likely benign. Review status: criteria provided, single submitter. Criteria: ACMG Guidelines, 2015. Collection method: not provided. Allele origin: germline. Inheritance: Autosomal recessive inheritance. Affected: yes.